The following is an entry in ClinVar:

NM_020376.4(PNPLA2):c.337C>T (p.Arg113Cys)

Gene: PNPLA2 (patatin like domain 2, triacylglycerol lipase; plus strand). Cytogenetic location: 11p15.5.
Variant type: single nucleotide variant.
Coding change: c.337C>T on transcript NM_020376.4 (MANE Select); coding-DNA position 337, C replaced by T.
Protein change: p.Arg113Cys; replaces arginine 113 with cysteine.
Molecular consequence: missense variant.
Genome position (GRCh38, 1-based): chr11:821,777, C>T. VCF-style: chr11-821777-C-T. GRCh37 (hg19) VCF-style: chr11-821777-C-T.
Other names: short protein forms R113C.
Identifiers: ClinVar variation 534193 (VCV000534193.9), dbSNP rs748673293, ClinGen allele CA5790942.

ClinVar aggregate classification (germline): Uncertain significance. Review status: criteria provided, multiple submitters, no conflicts (2 of 4 stars). 2 submissions from 2 submitters: Uncertain significance (2). Last evaluated 2024-05-13.

Conditions:
Neutral lipid storage myopathy (NLSDM). Also called: NEUTRAL LIPID STORAGE DISEASE WITHOUT ICHTHYOSIS. Identifiers: Orphanet 98908, MedGen C1853136, MONDO:0012545, OMIM 610717.

Allele frequency attached by ClinVar (database versions not stated): ExAC 0.00001; gnomAD 0.00001; gnomAD exomes 0.00002; TOPMed 0.00002.

Submissions (2):

Blueprint Genetics
Classification: Uncertain significance. Last evaluated: 2024-05-13. Review status: criteria provided, single submitter. Criteria: ACMG Guidelines, 2015. Collection method: clinical testing. Allele origin: germline.

Labcorp Genetics (formerly Invitae), Labcorp
Classification: Uncertain significance for Neutral lipid storage myopathy. Last evaluated: 2022-08-19. Review status: criteria provided, single submitter. Criteria: Invitae Variant Classification Sherloc (09022015). Collection method: clinical testing. Allele origin: germline.
Comment: Algorithms developed to predict the effect of missense changes on protein structure and function (SIFT, PolyPhen-2, Align-GVGD) all suggest that this variant is likely to be disruptive. ClinVar contains an entry for this variant (Variation ID: 534193). This missense change has been observed in individual(s) with clinical features of dyslipidemia (PMID: 32041611). This variant is present in population databases (rs748673293, gnomAD 0.003%). This sequence change replaces arginine, which is basic and polar, with cysteine, which is neutral and slightly polar, at codon 113 of the PNPLA2 protein (p.Arg113Cys). In summary, the available evidence is currently insufficient to determine the role of this variant in disease. Therefore, it has been classified as a Variant of Uncertain Significance.

Literature cited by the submitters: PubMed 32041611 (cited by Labcorp Genetics (formerly Invitae), Labcorp).